The following is an entry in ClinVar:

NM_006231.4(POLE):c.1126G>C (p.Ala376Pro)

Gene: POLE (DNA polymerase epsilon, catalytic subunit; minus strand). Cytogenetic location: 12q24.33.
Variant type: single nucleotide variant.
Coding change: c.1126G>C on transcript NM_006231.4 (MANE Select); coding-DNA position 1126, G replaced by C.
Protein change: p.Ala376Pro; replaces alanine 376 with proline.
Molecular consequence: missense variant.
Genome position (GRCh38, 1-based): chr12:132,675,498, C>G on the plus strand (G>C on the coding strand, the complement: POLE is on the minus strand). VCF-style: chr12-132675498-C-G. GRCh37 (hg19) VCF-style: chr12-133252084-C-G.
Other names: short protein forms A376P.
Identifiers: ClinVar variation 1055342 (VCV001055342.9), dbSNP rs1201756379, ClinGen allele CA387361146.

ClinVar aggregate classification (germline): Uncertain significance (1 of 4 stars; one submission).

Submission:

Labcorp Genetics (formerly Invitae), Labcorp
Classification: Uncertain significance. Last evaluated: 2025-03-18. Review status: criteria provided, single submitter. Criteria: Invitae Variant Classification Sherloc (09022015). Collection method: clinical testing. Allele origin: germline.
Comment: This sequence change replaces alanine, which is neutral and non-polar, with proline, which is neutral and non-polar, at codon 376 of the POLE protein (p.Ala376Pro). This variant is not present in population databases (gnomAD no frequency). This variant has not been reported in the literature in individuals affected with POLE-related conditions. ClinVar contains an entry for this variant (Variation ID: 1055342). Invitae Evidence Modeling of protein sequence and biophysical properties (such as structural, functional, and spatial information, amino acid conservation, physicochemical variation, residue mobility, and thermodynamic stability) indicates that this missense variant is expected to disrupt POLE protein function with a positive predictive value of 80%. In summary, the available evidence is currently insufficient to determine the role of this variant in disease. Therefore, it has been classified as a Variant of Uncertain Significance.